The following is an entry in ClinVar:

ClinVar aggregate classification (germline): Benign (1 of 4 stars; one submission).

Conditions:
Nail-patella syndrome (NPS). Also called: FONG DISEASE; ONYCHOOSTEODYSPLASIA; TURNER-KIESER SYNDROME. Identifiers: Orphanet 2614, MedGen C0027341, MONDO:0008061, OMIM 161200.

Allele frequency attached by ClinVar (database versions not stated): gnomAD exomes 0.00336; gnomAD 0.02524 and 0.02725; 1000 Genomes Project 0.02656; 1000 Genomes Project 30x 0.02764; TOPMed 0.02884.
gnomAD v4.1: 3,799 of 152,536 alleles (2.5%); highest among the groups gnomAD compares: African/African-American, 8.7%; 182 homozygotes.

Submission:

Illumina Laboratory Services, Illumina
Classification: Benign for Nail-patella syndrome. Last evaluated: 2018-01-13. Review status: criteria provided, single submitter. Criteria: ICSL Variant Classification Criteria 13 December 2019. Collection method: clinical testing. Allele origin: germline.
Comment: This variant was observed in the ICSL laboratory as part of a predisposition screen in an ostensibly healthy population. It had not been previously curated by ICSL or reported in the Human Gene Mutation Database (HGMD: prior to June 1st, 2018), and was therefore a candidate for classification through an automated scoring system. Utilizing variant allele frequency, disease prevalence and penetrance estimates, and inheritance mode, an automated score was calculated to assess if this variant is too frequent to cause the disease. Based on the score and internal cut-off values, a variant classified as benign is not then subjected to further curation. The score for this variant resulted in a classification of benign for this disease.

NM_001174147.2(LMX1B):c.*1716A>G

Gene: LMX1B (LIM homeobox transcription factor 1 beta; plus strand). Cytogenetic location: 9q33.3.
Variant type: single nucleotide variant.
Coding change: c.*1716A>G on transcript NM_001174147.2 (MANE Select); 1716 bases downstream of the stop codon, A replaced by G.
Molecular consequence: 3 prime UTR variant.
Genome position (GRCh38, 1-based): chr9:126,698,167, A>G. VCF-style: chr9-126698167-A-G. GRCh37 (hg19) VCF-style: chr9-129460446-A-G.
Other names: c.*1716A>G (NM_001174146.2, NM_002316.4).
Identifiers: ClinVar variation 364943 (VCV000364943.5), dbSNP rs116411474, ClinGen allele CA10628936.